The following is an entry in ClinVar:

NM_022482.5(GZF1):c.1786-3T>C

Gene: GZF1 (GDNF inducible zinc finger protein 1; plus strand). Cytogenetic location: 20p11.21.
Variant type: single nucleotide variant.
Coding change: c.1786-3T>C on transcript NM_022482.5 (MANE Select); 3 bases into the intron before coding-DNA position 1786, T replaced by C.
Molecular consequence: intron variant.
Genome position (GRCh38, 1-based): chr20:23,370,088, T>C. VCF-style: chr20-23370088-T-C. GRCh37 (hg19) VCF-style: chr20-23350725-T-C.
Other names: c.1786-3T>C (NM_001317012.2); c.1786-49T>C (NM_001317019.1).
Identifiers: ClinVar variation 1369447 (VCV001369447.6), dbSNP rs377344647, ClinGen allele CA9788821.

ClinVar aggregate classification (germline): Uncertain significance (1 of 4 stars; one submission).

Allele frequency attached by ClinVar (database versions not stated): gnomAD 0.00003; gnomAD exomes 0.00005 and 0.00006; TOPMed 0.00005; ExAC 0.00008; ESP Exome Variant Server 0.00008.
gnomAD v4.1: 82 of 1,611,268 alleles (0.0051%); highest among the groups gnomAD compares: Non-Finnish European, 0.0061%; no homozygotes.

Submission:

Labcorp Genetics (formerly Invitae), Labcorp
Classification: Uncertain significance. Last evaluated: 2025-02-24. Review status: criteria provided, single submitter. Criteria: Invitae Variant Classification Sherloc (09022015). Collection method: clinical testing. Allele origin: germline.
Comment: This sequence change falls in intron 5 of the GZF1 gene. It does not directly change the encoded amino acid sequence of the GZF1 protein. It affects a nucleotide within the consensus splice site. This variant is present in population databases (rs377344647, gnomAD 0.01%). This variant has not been reported in the literature in individuals affected with GZF1-related conditions. ClinVar contains an entry for this variant (Variation ID: 1369447). Variants that disrupt the consensus splice site are a relatively common cause of aberrant splicing (PMID: 17576681, 9536098). Algorithms developed to predict the effect of sequence changes on RNA splicing suggest that this variant is not likely to affect RNA splicing. In summary, the available evidence is currently insufficient to determine the role of this variant in disease. Therefore, it has been classified as a Variant of Uncertain Significance.

Literature cited by the submitters: PubMed 17576681; PubMed 9536098.